The following is an entry in ClinVar:

NM_001330260.2(SCN8A):c.1998+15G>T

Gene: SCN8A (sodium voltage-gated channel alpha subunit 8; plus strand). Cytogenetic location: 12q13.13.
Variant type: single nucleotide variant.
Coding change: c.1998+15G>T on transcript NM_001330260.2 (MANE Select); 15 bases into the intron after coding-DNA position 1998, G replaced by T.
Molecular consequence: intron variant.
Genome position (GRCh38, 1-based): chr12:51,721,923, G>T. VCF-style: chr12-51721923-G-T. GRCh37 (hg19) VCF-style: chr12-52115707-G-T.
Other names: c.1998+15G>T (NM_014191.4, NM_001177984.3, NM_001369788.1).
Identifiers: ClinVar variation 378560 (VCV000378560.12), dbSNP rs375797844, ClinGen allele CA6571378.

ClinVar aggregate classification (germline): Benign/Likely benign. Review status: criteria provided, multiple submitters, no conflicts (2 of 4 stars). 4 submissions from 4 submitters: Benign (3); Likely benign (1). Last evaluated 2026-01-04.

Conditions:
Early-infantile DEE. Also called: Ohtahara syndrome; Early infantile epileptic encephalopathy; Early infantile epileptic encephalopathy with suppression bursts. Identifiers: Orphanet 1934, MedGen C0393706, MONDO:0800491.

Allele frequency attached by ClinVar (database versions not stated): ExAC 0.00013; gnomAD exomes 0.00004 and 0.00011; ESP Exome Variant Server 0.00025; gnomAD 0.00048; TOPMed 0.00049; 1000 Genomes Project 0.00060; 1000 Genomes Project 30x 0.00078.
gnomAD v4.1: 136 of 1,599,674 alleles (0.0085%); highest among the groups gnomAD compares: African/African-American, 0.17%; no homozygotes.

Submissions (4):

Labcorp Genetics (formerly Invitae), Labcorp
Classification: Benign for Early-infantile DEE. Last evaluated: 2026-01-04. Review status: criteria provided, single submitter. Criteria: Invitae Variant Classification Sherloc (09022015). Collection method: clinical testing. Allele origin: germline.

Blueprint Genetics
Classification: Likely benign. Last evaluated: 2023-12-07. Review status: criteria provided, single submitter. Criteria: ACMG Guidelines, 2015. Collection method: clinical testing. Allele origin: germline.

GeneDx
Classification: Benign. Last evaluated: 2015-06-24. Review status: criteria provided, single submitter. Criteria: GeneDx Variant Classification (06012015). Collection method: clinical testing. Allele origin: germline. Affected: yes.
Comment: This variant is considered likely benign or benign based on one or more of the following criteria: it is a conservative change, it occurs at a poorly conserved position in the protein, it is predicted to be benign by multiple in silico algorithms, and/or has population frequency not consistent with disease.

Breakthrough Genomics
Classification: Benign. Review status: criteria provided, single submitter. Criteria: ACMG Guidelines, 2015. Collection method: not provided. Allele origin: germline. Inheritance: Autosomal dominant inheritance. Affected: yes.